The following is an entry in ClinVar:

NM_006086.4(TUBB3):c.941C>T (p.Ala314Val)

Gene: TUBB3 (tubulin beta 3 class III; plus strand). Cytogenetic location: 16q24.3.
Variant type: single nucleotide variant.
Coding change: c.941C>T on transcript NM_006086.4 (MANE Select); coding-DNA position 941, C replaced by T.
Protein change: p.Ala314Val; replaces alanine 314 with valine.
Molecular consequence: missense variant.
Genome position (GRCh38, 1-based): chr16:89,935,392, C>T. VCF-style: chr16-89935392-C-T. GRCh37 (hg19) VCF-style: chr16-90001800-C-T.
Other names: c.725C>T, p.Ala242Val (NM_001197181.2); short protein forms A242V, A314V.
Identifiers: ClinVar variation 4536480 (VCV004536480.2).

ClinVar aggregate classification (germline): Uncertain significance (1 of 4 stars; one submission).

Submission:

GeneDx
Classification: Uncertain significance. Last evaluated: 2026-08-17. Review status: criteria provided, single submitter. Criteria: GeneDx Variant Classification Process June 2021. Collection method: clinical testing. Allele origin: germline.
Comment: Not observed at significant frequency in large population cohorts (gnomAD); Missense variants in this gene are a common cause of disease and they are underrepresented in the general population; In silico analysis supports that this missense variant has a deleterious effect on protein structure/function; Has not been previously published as pathogenic or benign to our knowledge; This variant is associated with the following publications: (PMID: 20829227)